The following is an entry in ClinVar:

ClinVar aggregate classification (germline): Uncertain significance (1 of 4 stars; one submission).

Submission:

GeneDx
Classification: Uncertain significance. Last evaluated: 2022-02-14. Review status: criteria provided, single submitter. Criteria: GeneDx Variant Classification Process June 2021. Collection method: clinical testing. Allele origin: germline. Affected: yes.
Comment: Not observed at significant frequency in large population cohorts (gnomAD); In silico analysis supports that this missense variant has a deleterious effect on protein structure/function; Has not been previously published as pathogenic or benign to our knowledge

NM_004568.6(SERPINB6):c.98G>C (p.Ser33Thr)

Gene: SERPINB6 (serpin family B member 6; minus strand). Cytogenetic location: 6p25.2.
Variant type: single nucleotide variant.
Coding change: c.98G>C on transcript NM_004568.6 (MANE Select); coding-DNA position 98, G replaced by C.
Protein change: p.Ser33Thr; replaces serine 33 with threonine.
Molecular consequence: missense variant. On other transcripts: non-coding transcript variant (1), intron variant (1).
Genome position (GRCh38, 1-based): chr6:2,959,235, C>G on the plus strand (G>C on the coding strand, the complement: SERPINB6 is on the minus strand). VCF-style: chr6-2959235-C-G. GRCh37 (hg19) VCF-style: chr6-2959469-C-G.
Other names: c.110G>C, p.Ser37Thr (NM_001195291.3, NM_001374515.1); c.140G>C, p.Ser47Thr (NM_001271822.2); c.155G>C, p.Ser52Thr (NM_001271823.2); c.98G>C, p.Ser33Thr (NM_001271824.2, NM_001271825.2, NM_001297699.2 and 2 more transcripts); c.34-3565G>C (NM_001374517.1); short protein forms S33T, S37T, S47T, S52T.
Identifiers: ClinVar variation 1700820 (VCV001700820.2), dbSNP rs2113252484, ClinGen allele CA362587421.